The following is an entry in ClinVar:

NM_145255.4(MRPL10):c.87C>T (p.Gly29=)

Gene: MRPL10 (mitochondrial ribosomal protein L10; minus strand). Cytogenetic location: 17q21.32.
Variant type: single nucleotide variant.
Coding change: c.87C>T on transcript NM_145255.4 (MANE Select); coding-DNA position 87, C replaced by T.
Protein change: p.Gly29=; no amino-acid change (glycine 29 retained).
Molecular consequence: synonymous variant. On other transcripts: non-coding transcript variant (1).
Genome position (GRCh38, 1-based): chr17:47,828,636, G>A on the plus strand (C>T on the coding strand, the complement: MRPL10 is on the minus strand). VCF-style: chr17-47828636-G-A. GRCh37 (hg19) VCF-style: chr17-45906002-G-A.
Other names: c.117C>T, p.Gly39= (NM_148887.3).
Identifiers: ClinVar variation 3052044 (VCV003052044.2), dbSNP rs369387958, ClinGen allele CA8627636.

ClinVar aggregate classification (germline): Likely benign (0 of 4 stars; one submission).

Conditions:
MRPL10-related disorder. Also called: MRPL10-related condition.

Allele frequency attached by ClinVar (database versions not stated): gnomAD exomes 0.00005; ExAC 0.00008; ESP Exome Variant Server 0.00015; gnomAD 0.00025; TOPMed 0.00030; 1000 Genomes Project 0.00060; 1000 Genomes Project 30x 0.00062.
gnomAD v4.1: 108 of 1,527,128 alleles (0.0071%); highest among the groups gnomAD compares: African/African-American, 0.067%; no homozygotes.

Submission:

PreventionGenetics, part of Exact Sciences
Classification: Likely benign for MRPL10-related condition. Last evaluated: 2019-03-21. Review status: no assertion criteria provided. Collection method: clinical testing. Allele origin: germline.
Comment: This variant is classified as likely benign based on ACMG/AMP sequence variant interpretation guidelines (Richards et al. 2015 PMID: 25741868, with internal and published modifications).